The following is an entry in ClinVar:

ClinVar aggregate classification (germline): Pathogenic (1 of 4 stars; one submission).

Conditions:
Aortic aneurysm, familial thoracic 7 (AAT7). Also called: AORTIC DISSECTION, FAMILIAL, WITH OR WITHOUT AORTIC ANEURYSM. Identifiers: MedGen C3151077, MONDO:0013418, OMIM 613780.

Submission:

Labcorp Genetics (formerly Invitae), Labcorp
Classification: Pathogenic for Aortic aneurysm, familial thoracic 7. Last evaluated: 2022-07-10. Review status: criteria provided, single submitter. Criteria: Invitae Variant Classification Sherloc (09022015). Collection method: clinical testing. Allele origin: germline.
Comment: For these reasons, this variant has been classified as Pathogenic. This variant has not been reported in the literature in individuals affected with MYLK-related conditions. This variant is not present in population databases (gnomAD no frequency). This sequence change creates a premature translational stop signal (p.Lys989*) in the MYLK gene. This variant occurs within the aortic-specific isoform of MYLK. Loss-of-function variants in the aortic-specific isoform of MYLK are known to be pathogenic for thoracic aortic dissections (PMID: 21055718).

Literature cited by the submitters: PubMed 21055718.

NM_053025.4(MYLK):c.2965A>T (p.Lys989Ter)

Gene: MYLK (myosin light chain kinase; minus strand). Cytogenetic location: 3q21.1.
Variant type: single nucleotide variant.
Coding change: c.2965A>T on transcript NM_053025.4 (MANE Select); coding-DNA position 2965, A replaced by T.
Protein change: p.Lys989Ter; replaces lysine 989 with a stop codon.
Molecular consequence: nonsense.
Genome position (GRCh38, 1-based): chr3:123,700,503, T>A on the plus strand (A>T on the coding strand, the complement: MYLK is on the minus strand). VCF-style: chr3-123700503-T-A. GRCh37 (hg19) VCF-style: chr3-123419350-T-A.
Other names: c.2437A>T, p.Lys813Ter (NM_001321309.2); c.2758A>T, p.Lys920Ter (NM_053026.4, NM_053028.4); c.2965A>T, p.Lys989Ter (NM_053027.4); short protein forms K813*, K920*, K989*.
Identifiers: ClinVar variation 2015715 (VCV002015715.4), dbSNP rs2474176082, ClinGen allele CA354230530.